The following is an entry in ClinVar:

ClinVar aggregate classification (germline): Uncertain significance (1 of 4 stars; one submission).

Conditions:
Inborn genetic diseases. Identifiers: MedGen C0950123, MeSH D030342.

gnomAD v4.1: 3 of 1,614,060 alleles (0.00019%); highest among the groups gnomAD compares: African/African-American, 0.0027%; no homozygotes.

Submission:

Ambry Genetics
Classification: Uncertain significance for Inborn genetic diseases. Last evaluated: 2024-11-16. Review status: criteria provided, single submitter. Criteria: Ambry Variant Classification Scheme 2023. Collection method: clinical testing. Allele origin: germline.
Comment: The p.K269R variant (also known as c.806A>G), located in coding exon 8 of the MDH2 gene, results from an A to G substitution at nucleotide position 806. The lysine at codon 269 is replaced by arginine, an amino acid with highly similar properties. This amino acid position is conserved. In addition, the in silico prediction for this alteration is inconclusive. Based on the available evidence, the clinical significance of this variant remains unclear.

NM_005918.4(MDH2):c.806A>G (p.Lys269Arg)

Gene: MDH2 (malate dehydrogenase 2; plus strand). Cytogenetic location: 7q11.23.
Variant type: single nucleotide variant.
Coding change: c.806A>G on transcript NM_005918.4 (MANE Select); coding-DNA position 806, A replaced by G.
Protein change: p.Lys269Arg; replaces lysine 269 with arginine.
Molecular consequence: missense variant.
Genome position (GRCh38, 1-based): chr7:76,064,874, A>G. VCF-style: chr7-76064874-A-G. GRCh37 (hg19) VCF-style: chr7-75694192-A-G.
Other names: c.680A>G, p.Lys227Arg (NM_001282403.2); c.485A>G, p.Lys162Arg (NM_001282404.2); short protein forms K162R, K227R, K269R.
Identifiers: ClinVar variation 3394052 (VCV003394052.1).